The following is an entry in ClinVar:

NM_007294.4(BRCA1):c.842G>C (p.Ser281Thr)

Gene: BRCA1 (BRCA1 DNA repair associated; minus strand). Cytogenetic location: 17q21.31.
Variant type: single nucleotide variant.
Coding change: c.842G>C on transcript NM_007294.4 (MANE Select); coding-DNA position 842, G replaced by C.
Protein change: p.Ser281Thr; replaces serine 281 with threonine.
Molecular consequence: missense variant. On other transcripts: 5 prime UTR variant (2), intron variant (137).
Genome position (GRCh38, 1-based): chr17:43,094,689, C>G on the plus strand (G>C on the coding strand, the complement: BRCA1 is on the minus strand). VCF-style: chr17-43094689-C-G. GRCh37 (hg19) VCF-style: chr17-41246706-C-G.
Other names: c.509G>C, p.Ser170Thr (NM_001407952.1, NM_001407953.1, NM_001407957.1 and 6 more transcripts); c.629G>C, p.Ser210Thr (NM_001407571.1, NM_001407853.1, NM_001407894.1 and 9 more transcripts); c.842G>C, p.Ser281Thr (NM_001407581.1, NM_001407582.1, NM_001407583.1 and 30 more transcripts); c.506G>C, p.Ser169Thr (NM_001407954.1, NM_001407955.1, NM_001407956.1 and 1 more transcripts); c.839G>C, p.Ser280Thr (NM_001407587.1, NM_001407590.1, NM_001407591.1 and 22 more transcripts); c.461G>C, p.Ser154Thr (NM_001407959.1, NM_001407960.1, NM_001407963.1); c.458G>C, p.Ser153Thr (NM_001407962.1); c.698G>C, p.Ser233Thr (NM_001407964.1, NM_001407740.1, NM_001407741.1 and 20 more transcripts); and 40 more; short protein forms S234T, S281T, S153T, S211T, S239T, S240T, S254T, S170T.
Identifiers: ClinVar variation 822416 (VCV000822416.7), dbSNP rs1567801816, ClinGen allele CA10600399.

ClinVar aggregate classification (germline): Conflicting classifications of pathogenicity. Review status: criteria provided, conflicting classifications (1 of 4 stars). 2 submissions from 2 submitters: Uncertain significance (1); Likely benign (1). Last evaluated 2023-03-23.

Conditions:
Hereditary cancer-predisposing syndrome. Also called: Tumor predisposition; Hereditary Cancer Syndrome; Neoplastic Syndromes, Hereditary; Hereditary neoplastic syndrome. Identifiers: Orphanet 140162, MedGen C0027672, MeSH D009386, MONDO:0015356.

Submissions (2):

University of Washington Department of Laboratory Medicine, University of Washington
Classification: Likely benign for Hereditary cancer-predisposing syndrome. Last evaluated: 2023-03-23. Review status: criteria provided, single submitter. Criteria: Dines et al. (Genet Med. 2020). Collection method: curation. Allele origin: germline.
Comment: Missense variant in a coldspot region where missense variants are very unlikely to be pathogenic (PMID:31911673).

BRCA1 coldspot (exon 11 using historical exon numbering). Reclassification based on statistical prior probability

Ambry Genetics
Classification: Uncertain significance for Hereditary cancer-predisposing syndrome. Last evaluated: 2019-09-17. Review status: criteria provided, single submitter. Criteria: Ambry Variant Classification Scheme 2023. Collection method: clinical testing. Allele origin: germline.
Comment: The p.S281T variant (also known as c.842G>C), located in coding exon 9 of the BRCA1 gene, results from a G to C substitution at nucleotide position 842. The serine at codon 281 is replaced by threonine, an amino acid with similar properties. This amino acid position is well conserved in available vertebrate species. In addition, the in silico prediction for this alteration is inconclusive. Since supporting evidence is limited at this time, the clinical significance of this alteration remains unclear.